The following is an entry in ClinVar:

ClinVar aggregate classification (germline): Uncertain significance (1 of 4 stars; one submission).

Conditions:
POLD1-related polyposis and colorectal cancer syndrome (CRCS10). Also called: Colorectal cancer 10; COLORECTAL CANCER, SUSCEPTIBILITY TO, ON CHROMOSOME 19q; Colorectal cancer, susceptibility to, 10. Identifiers: Orphanet 220460, MedGen C2675481, MONDO:0012953, OMIM 612591.

Submission:

Labcorp Genetics (formerly Invitae), Labcorp
Classification: Uncertain significance for POLD1-related polyposis and colorectal cancer syndrome. Last evaluated: 2023-07-19. Review status: criteria provided, single submitter. Criteria: Invitae Variant Classification Sherloc (09022015). Collection method: clinical testing. Allele origin: germline.
Comment: In summary, the available evidence is currently insufficient to determine the role of this variant in disease. Therefore, it has been classified as a Variant of Uncertain Significance. Advanced modeling of protein sequence and biophysical properties (such as structural, functional, and spatial information, amino acid conservation, physicochemical variation, residue mobility, and thermodynamic stability) performed at Invitae indicates that this missense variant is not expected to disrupt POLD1 protein function. ClinVar contains an entry for this variant (Variation ID: 935559). This variant has not been reported in the literature in individuals affected with POLD1-related conditions. This variant is not present in population databases (gnomAD no frequency). This sequence change replaces arginine, which is basic and polar, with serine, which is neutral and polar, at codon 225 of the POLD1 protein (p.Arg225Ser).

NM_002691.4(POLD1):c.673C>A (p.Arg225Ser)

Gene: POLD1 (DNA polymerase delta 1, catalytic subunit; plus strand). Cytogenetic location: 19q13.33.
Variant type: single nucleotide variant.
Coding change: c.673C>A on transcript NM_002691.4 (MANE Select); coding-DNA position 673, C replaced by A.
Protein change: p.Arg225Ser; replaces arginine 225 with serine.
Molecular consequence: missense variant. On other transcripts: non-coding transcript variant (1).
Genome position (GRCh38, 1-based): chr19:50,402,288, C>A. VCF-style: chr19-50402288-C-A. GRCh37 (hg19) VCF-style: chr19-50905545-C-A.
Other names: c.673C>A, p.Arg225Ser (NM_001256849.1, NM_001308632.1); short protein forms R225S.
Identifiers: ClinVar variation 935559 (VCV000935559.9), dbSNP rs763249087, ClinGen allele CA406974285.